The following is an entry in ClinVar:

NM_000388.4(CASR):c.623_624delinsCT (p.Trp208Ser)

Gene: CASR (calcium sensing receptor; plus strand). Cytogenetic location: 3q21.1.
Variant type: Indel.
Coding change: c.623_624delinsCT on transcript NM_000388.4 (MANE Select); coding-DNA positions 623 to 624, GG replaced by CT.
Protein change: p.Trp208Ser; replaces tryptophan 208 with serine.
Molecular consequence: missense variant.
Genome position (GRCh38, 1-based): chr3:122,261,658-122,261,659, GG replaced by CT. VCF-style: chr3-122261658-GG-CT. GRCh37 (hg19) VCF-style: chr3-121980505-GG-CT.
Other names: c.623_624delinsCT, p.Trp208Ser (NM_001178065.2); short protein forms W208S.
Identifiers: ClinVar variation 3756520 (VCV003756520.2).

ClinVar aggregate classification (germline): Uncertain significance (1 of 4 stars; one submission).

Conditions:
Autosomal dominant hypocalcemia 1 (HYPOC1). Also called: HYPOCALCEMIA, FAMILIAL. Identifiers: MedGen C3715128, MONDO:0011013, OMIM 601198.
Familial hypocalciuric hypercalcemia (FHH). Also called: Familial benign hypercalcemia. Identifiers: Orphanet 405, MedGen C1809471, MONDO:0018458.

Submission:

Labcorp Genetics (formerly Invitae), Labcorp
Classification: Uncertain significance for Familial hypocalciuric hypercalcemia; Autosomal dominant hypocalcemia 1. Last evaluated: 2025-08-10. Review status: criteria provided, single submitter. Criteria: Invitae Variant Classification Sherloc (09022015). Collection method: clinical testing. Allele origin: germline.
Comment: This sequence change replaces tryptophan, which is neutral and slightly polar, with serine, which is neutral and polar, at codon 208 of the CASR protein (p.Trp208Ser). Information on the frequency of this variant in the gnomAD database is not available, as this variant may be reported differently in the database. This missense change has been observed in individual(s) with familial hypocalciuric hypercalcemia (PMID: 18296474, 22422767). ClinVar contains an entry for this variant (Variation ID: 3756520). An algorithm developed to predict the effect of missense changes on protein structure and function (PolyPhen-2) suggests that this variant is likely to be disruptive. In summary, the available evidence is currently insufficient to determine the role of this variant in disease. Therefore, it has been classified as a Variant of Uncertain Significance.

Literature cited by the submitters: PubMed 18296474; PubMed 22422767.